The following is an entry in ClinVar:

ClinVar aggregate classification (germline): Uncertain significance (1 of 4 stars; one submission).

Allele frequency attached by ClinVar (database versions not stated): gnomAD 0.00001; TOPMed 0.00001; ExAC 0.00002; gnomAD exomes 0.00002.
gnomAD v4.1: 26 of 1,566,134 alleles (0.0017%); highest among the groups gnomAD compares: Non-Finnish European, 0.0022%; no homozygotes.

Submission:

Labcorp Genetics (formerly Invitae), Labcorp
Classification: Uncertain significance. Last evaluated: 2022-06-01. Review status: criteria provided, single submitter. Criteria: Invitae Variant Classification Sherloc (09022015). Collection method: clinical testing. Allele origin: germline.
Comment: In summary, the available evidence is currently insufficient to determine the role of this variant in disease. Therefore, it has been classified as a Variant of Uncertain Significance. Algorithms developed to predict the effect of sequence changes on RNA splicing suggest that this variant may disrupt the consensus splice site. This variant has not been reported in the literature in individuals affected with IFT88-related conditions. This variant is present in population databases (rs776432361, gnomAD 0.003%). This sequence change falls in intron 3 of the IFT88 gene. It does not directly change the encoded amino acid sequence of the IFT88 protein.

NM_006531.5(IFT88):c.-6-11G>A

Gene: IFT88 (intraflagellar transport 88; plus strand). Cytogenetic location: 13q12.11.
Variant type: single nucleotide variant.
Coding change: c.-6-11G>A on transcript NM_006531.5 (MANE Select); 11 bases into the intron before 6 bases upstream of the start codon, G replaced by A.
Molecular consequence: intron variant.
Genome position (GRCh38, 1-based): chr13:20,574,369, G>A. VCF-style: chr13-20574369-G-A. GRCh37 (hg19) VCF-style: chr13-21148508-G-A.
Other names: c.22-11G>A (NM_001318493.2, NM_175605.5, NM_001353570.2 and 6 more transcripts); c.-6-11G>A (NM_001353568.2, NM_001353572.2, NM_001353571.2 and 5 more transcripts); c.-569-11G>A (NM_001353579.2).
Identifiers: ClinVar variation 1928380 (VCV001928380.5), dbSNP rs776432361, ClinGen allele CA6904917.
Genomic context (GRCh38, chr13:20,574,369, plus strand): 5'-GACATATCTCAAAAAATATATATATATATTTCTTATACCAAGAACATATTTACACTGCCA[G>A]TTTTTCCTAGGTACAAATGATGCAAAATGTGCACCTGGCTCCAGAGACAGATGAAGATGA-3'